The following is an entry in ClinVar:

ClinVar aggregate classification (germline): Uncertain significance (1 of 4 stars; one submission).

Conditions:
Developmental and epileptic encephalopathy, 27 (DEE27). Also called: Epileptic encephalopathy, early infantile, 27; GRIN2B-Related Neurodevelopmental Disorder. Identifiers: Orphanet 3451, MedGen C4015316, MONDO:0014505, OMIM 616139.
Intellectual developmental disorder, autosomal dominant 6, with or without seizures. Also called: Intellectual disability, autosomal dominant 6; GRIN2B-related developmental delay, intellectual disability and autism spectrum disorder. Identifiers: Orphanet 589547, MedGen C3151411, MONDO:0013509, OMIM 613970.

Submission:

Juno Genomics, Hangzhou Juno Genomics, Inc
Classification: Uncertain significance for Developmental and epileptic encephalopathy, 27; Intellectual developmental disorder, autosomal dominant 6, with or without seizures. Review status: criteria provided, single submitter. Criteria: ACMG Guidelines, 2015. Collection method: clinical testing. Allele origin: germline.
Comment: Missense variant in a gene that has a low rate of benign missense variation.;Multiple lines of computational evidence support a deleterious effect on the gene or gene product.;Absent from controls (or at extremely low frequency if recessive) in Genome Aggregation Database.

NM_000834.5(GRIN2B):c.2387G>C (p.Trp796Ser)

Gene: GRIN2B (glutamate ionotropic receptor NMDA type subunit 2B; minus strand). Cytogenetic location: 12p13.1.
Variant type: single nucleotide variant.
Coding change: c.2387G>C on transcript NM_000834.5 (MANE Select); coding-DNA position 2387, G replaced by C.
Protein change: p.Trp796Ser; replaces tryptophan 796 with serine.
Molecular consequence: missense variant.
Genome position (GRCh38, 1-based): chr12:13,567,236, C>G on the plus strand (G>C on the coding strand, the complement: GRIN2B is on the minus strand). VCF-style: chr12-13567236-C-G. GRCh37 (hg19) VCF-style: chr12-13720170-C-G.
Other names: c.2387G>C, p.Trp796Ser (NM_001413992.1); short protein forms W796S.
Identifiers: ClinVar variation 5005066 (VCV005005066.2).